The following is an entry in ClinVar:

ClinVar aggregate classification (germline): Uncertain significance. Review status: criteria provided, multiple submitters, no conflicts (2 of 4 stars). 2 submissions from 2 submitters: Uncertain significance (2). Last evaluated 2025-07-18.

Conditions:
Hereditary cancer-predisposing syndrome. Also called: Tumor predisposition; Neoplastic Syndromes, Hereditary; Hereditary neoplastic syndrome; Hereditary Cancer Syndrome. Identifiers: Orphanet 140162, MedGen C0027672, MeSH D009386, MONDO:0015356.
EGFR-related lung cancer (EGFR). Identifiers: MedGen CN130014.

Allele frequency attached by ClinVar (database versions not stated): gnomAD exomes below 0.00001; gnomAD 0.00001; TOPMed 0.00001; ESP Exome Variant Server 0.00008.
gnomAD v4.1: 10 of 1,613,992 alleles (0.00062%); highest among the groups gnomAD compares: African/African-American, 0.0013%; no homozygotes.

Submissions (2):

Labcorp Genetics (formerly Invitae), Labcorp
Classification: Uncertain significance for EGFR-related lung cancer. Last evaluated: 2025-07-18. Review status: criteria provided, single submitter. Criteria: Invitae Variant Classification Sherloc (09022015). Collection method: clinical testing. Allele origin: germline.
Comment: This sequence change replaces arginine, which is basic and polar, with cysteine, which is neutral and slightly polar, at codon 451 of the EGFR protein (p.Arg451Cys). This variant is present in population databases (rs377567759, gnomAD 0.004%). This variant has not been reported in the literature in individuals affected with EGFR-related conditions. ClinVar contains an entry for this variant (Variation ID: 1018687). Invitae Evidence Modeling of protein sequence and biophysical properties (such as structural, functional, and spatial information, amino acid conservation, physicochemical variation, residue mobility, and thermodynamic stability) indicates that this missense variant is not expected to disrupt EGFR protein function with a negative predictive value of 80%. In summary, the available evidence is currently insufficient to determine the role of this variant in disease. Therefore, it has been classified as a Variant of Uncertain Significance.

Ambry Genetics
Classification: Uncertain significance for Hereditary cancer-predisposing syndrome. Last evaluated: 2025-02-12. Review status: criteria provided, single submitter. Criteria: Ambry Variant Classification Scheme 2023. Collection method: clinical testing. Allele origin: germline.
Comment: The p.R451C variant (also known as c.1351C>T), located in coding exon 12 of the EGFR gene, results from a C to T substitution at nucleotide position 1351. The arginine at codon 451 is replaced by cysteine, an amino acid with highly dissimilar properties. This amino acid position is highly conserved in available vertebrate species. In addition, this alteration is predicted to be deleterious by in silico analysis. Based on the available evidence, the clinical significance of this variant remains unclear.

NM_005228.5(EGFR):c.1351C>T (p.Arg451Cys)

Gene: EGFR (epidermal growth factor receptor; plus strand). Cytogenetic location: 7p11.2.
Variant type: single nucleotide variant.
Coding change: c.1351C>T on transcript NM_005228.5 (MANE Select); coding-DNA position 1351, C replaced by T.
Protein change: p.Arg451Cys; replaces arginine 451 with cysteine.
Molecular consequence: missense variant.
Genome position (GRCh38, 1-based): chr7:55,160,191, C>T. VCF-style: chr7-55160191-C-T. GRCh37 (hg19) VCF-style: chr7-55227884-C-T.
Other names: c.1216C>T, p.Arg406Cys (NM_001346897.2, NM_001346899.2); c.1351C>T, p.Arg451Cys (NM_001346898.2, NM_201282.2, NM_201284.2); c.1192C>T, p.Arg398Cys (NM_001346900.2); c.550C>T, p.Arg184Cys (NM_001346941.2); c.1351C>T (NM_005228.3); short protein forms R184C, R398C, R406C, R451C.
Identifiers: ClinVar variation 1018687 (VCV001018687.9), dbSNP rs377567759, ClinGen allele CA158917074.
Genomic context (GRCh38, chr7:55,160,191, plus strand): 5'-CAATGTAGTGGTCAGTTTTCTCTTGCAGTCGTCAGCCTGAACATAACATCCTTGGGATTA[C>T]GCTCCCTCAAGGAGATAAGTGATGGAGATGTGATAATTTCAGGAAACAAAAATTTGTGCT-3'
Protein context (NP_005219.2, residues 441-461): VSLNITSLGL[Arg451Cys]SLKEISDGDV